The following is an entry in ClinVar:

NM_030962.4(SBF2):c.4890T>A (p.Asp1630Glu)

Genes: SBF2-AS1 (SBF2 antisense RNA 1; plus strand), SBF2 (SET binding factor 2; minus strand), LOC105369149 (uncharacterized LOC105369149; plus strand). Cytogenetic location: 11p15.4.
Variant type: single nucleotide variant.
Coding change: c.4890T>A on transcript NM_030962.4 (MANE Select); coding-DNA position 4890, T replaced by A.
Protein change: p.Asp1630Glu; replaces aspartic acid 1630 with glutamic acid.
Molecular consequence: missense variant.
Genome position (GRCh38, 1-based): chr11:9,789,151, A>T on the plus strand (T>A on the coding strand, the complement: SBF2 is on the minus strand). VCF-style: chr11-9789151-A-T. GRCh37 (hg19) VCF-style: chr11-9810698-A-T.
Other names: c.4986T>A, p.Asp1662Glu (NM_001386339.1); c.4761T>A, p.Asp1587Glu (NM_001386342.1); short protein forms D1630E, D1587E, D1662E.
Identifiers: ClinVar variation 476936 (VCV000476936.9), dbSNP rs963997810, ClinGen allele CA217608471.
Genomic context (GRCh38, chr11:9,789,151, plus strand): 5'-TGTCTACAGTTGACTTACACTGAAAAGGCTGGTGAGAGCATCAGGCTGAGTACAGCTGAC[A>T]TCATCATAGCATGGCCACACTGTTCTCCTCTGGCTCCGTGGCCCAGCTTCTCCAGCCAGG-3'
Protein context (NP_112224.1, residues 1620-1640): QRRTVWPCYD[Asp1630Glu]VSCTQPDALT

ClinVar aggregate classification (germline): Uncertain significance (1 of 4 stars; one submission).

Conditions:
Charcot-Marie-Tooth disease type 4. Also called: Charcot-Marie-Tooth disease, type IV; Charcot-Marie-Tooth, Type 4. Identifiers: Orphanet 64749, MedGen C4082197, MONDO:0018995.

Allele frequency attached by ClinVar (database versions not stated): TOPMed below 0.00001; gnomAD exomes 0.00001.
gnomAD v4.1: 3 of 1,614,174 alleles (0.00019%); highest among the groups gnomAD compares: Non-Finnish European, 0.00025%; no homozygotes.

Submission:

Labcorp Genetics (formerly Invitae), Labcorp
Classification: Uncertain significance for Charcot-Marie-Tooth disease type 4. Last evaluated: 2017-06-24. Review status: criteria provided, single submitter. Criteria: Invitae Variant Classification Sherloc (09022015). Collection method: clinical testing. Allele origin: germline.
Comment: In summary, the available evidence is currently insufficient to determine the role of this variant in disease. Therefore, it has been classified as a Variant of Uncertain Significance. Algorithms developed to predict the effect of missense changes on protein structure and function (SIFT, PolyPhen-2, Align-GVGD) all suggest that this variant is likely to be tolerated, but these predictions have not been confirmed by published functional studies and their clinical significance is uncertain. This variant has not been reported in the literature in individuals with SBF2-related disease. This variant is not present in population databases (ExAC no frequency). This sequence change replaces aspartic acid with glutamic acid at codon 1630 of the SBF2 protein (p.Asp1630Glu). The aspartic acid residue is moderately conserved and there is a small physicochemical difference between aspartic acid and glutamic acid.